The following is an entry in ClinVar:

ClinVar aggregate classification (germline): Uncertain significance. Review status: criteria provided, multiple submitters, no conflicts (2 of 4 stars). 2 submissions from 2 submitters: Uncertain significance (2). Last evaluated 2025-02-06.

Conditions:
Inborn genetic diseases. Identifiers: MedGen C0950123, MeSH D030342.
Joubert syndrome 21 (JBTS21). Identifiers: MedGen C3810212, MONDO:0014288, OMIM 615636.

gnomAD v4.1: 2 of 1,611,820 alleles (0.00012%); highest among the groups gnomAD compares: Non-Finnish European, 0.000085%; no homozygotes.

Submissions (2):

Ambry Genetics
Classification: Uncertain significance for Inborn genetic diseases. Last evaluated: 2025-02-06. Review status: criteria provided, single submitter. Criteria: Ambry Variant Classification Scheme 2023. Collection method: clinical testing. Allele origin: germline.

Labcorp Genetics (formerly Invitae), Labcorp
Classification: Uncertain significance for Joubert syndrome 21. Last evaluated: 2021-11-02. Review status: criteria provided, single submitter. Criteria: Invitae Variant Classification Sherloc (09022015). Collection method: clinical testing. Allele origin: germline.
Comment: This sequence change replaces leucine, which is neutral and non-polar, with valine, which is neutral and non-polar, at codon 52 of the CSPP1 protein (p.Leu52Val). This variant is not present in population databases (gnomAD no frequency). This variant has not been reported in the literature in individuals affected with CSPP1-related conditions. Algorithms developed to predict the effect of missense changes on protein structure and function are either unavailable or do not agree on the potential impact of this missense change (SIFT: "Deleterious"; PolyPhen-2: "Benign"; Align-GVGD: "Class C0"). In summary, the available evidence is currently insufficient to determine the role of this variant in disease. Therefore, it has been classified as a Variant of Uncertain Significance.

NM_001382391.1(CSPP1):c.46T>G (p.Leu16Val)

Gene: CSPP1 (centrosome and spindle pole associated protein 1; plus strand). Cytogenetic location: 8q13.1.
Variant type: single nucleotide variant.
Coding change: c.46T>G on transcript NM_001382391.1 (MANE Select); coding-DNA position 46, T replaced by G.
Protein change: p.Leu16Val; replaces leucine 16 with valine.
Molecular consequence: missense variant.
Genome position (GRCh38, 1-based): chr8:67,074,298, T>G. VCF-style: chr8-67074298-T-G. GRCh37 (hg19) VCF-style: chr8-67986533-T-G.
Other names: c.46T>G, p.Leu16Val (NM_001363131.2, NM_001363132.2, NM_001363133.2); c.154T>G, p.Leu52Val (NM_001364869.1, NM_001364870.1, NM_024790.7); short protein forms L16V, L52V.
Identifiers: ClinVar variation 1424119 (VCV001424119.7), dbSNP rs150924296, ClinGen allele CA178233968.
Genomic context (GRCh38, chr8:67,074,298, plus strand): 5'-TAAAGAATCTGCAAAATGGCTGATAATTTGGATGAATTTATTGAAGAGCAAAAAGCCAGA[T>G]TGGCCGAAGACAAAGCAGAGTTGGAAAGTGATCCACCTTACATGGAAATGAAGGTAAATT-3'
Protein context (NP_001369320.1, residues 6-26): DEFIEEQKAR[Leu16Val]AEDKAELESD